The following is an entry in ClinVar:

ClinVar aggregate classification (germline): Uncertain significance (1 of 4 stars; one submission).

Submission:

Labcorp Genetics (formerly Invitae), Labcorp
Classification: Uncertain significance. Last evaluated: 2024-09-23. Review status: criteria provided, single submitter. Criteria: Invitae Variant Classification Sherloc (09022015). Collection method: clinical testing. Allele origin: germline.
Comment: This sequence change replaces glutamic acid, which is acidic and polar, with aspartic acid, which is acidic and polar, at codon 554 of the CSF1R protein (p.Glu554Asp). This variant is not present in population databases (gnomAD no frequency). This variant has not been reported in the literature in individuals affected with CSF1R-related conditions. ClinVar contains an entry for this variant (Variation ID: 1499879). Invitae Evidence Modeling of protein sequence and biophysical properties (such as structural, functional, and spatial information, amino acid conservation, physicochemical variation, residue mobility, and thermodynamic stability) indicates that this missense variant is not expected to disrupt CSF1R protein function with a negative predictive value of 95%. In summary, the available evidence is currently insufficient to determine the role of this variant in disease. Therefore, it has been classified as a Variant of Uncertain Significance.

NM_001288705.3(CSF1R):c.1662G>T (p.Glu554Asp)

Gene: CSF1R (colony stimulating factor 1 receptor; minus strand). Cytogenetic location: 5q32.
Variant type: single nucleotide variant.
Coding change: c.1662G>T on transcript NM_001288705.3 (MANE Select); coding-DNA position 1662, G replaced by T.
Protein change: p.Glu554Asp; replaces glutamic acid 554 with aspartic acid.
Molecular consequence: missense variant. On other transcripts: non-coding transcript variant (2).
Genome position (GRCh38, 1-based): chr5:150,061,814, C>A on the plus strand (G>T on the coding strand, the complement: CSF1R is on the minus strand). VCF-style: chr5-150061814-C-A. GRCh37 (hg19) VCF-style: chr5-149441377-C-A.
Other names: c.1662G>T, p.Glu554Asp (NM_001349736.2, NM_001375320.1, NM_005211.4); c.1218G>T, p.Glu406Asp (NM_001375321.1); short protein forms E554D, E406D.
Identifiers: ClinVar variation 1499879 (VCV001499879.6), dbSNP rs2113792952, ClinGen allele CA361714681.
Genomic context (GRCh38, chr5:150,061,814, plus strand): 5'-CTTCTCGTTGTAAGGCAGCTGCGTGGGGTCGATGAAAGTATAACTGTTGCCCTCATAGCT[C>A]TCGATGATCTTCCAGCGGACCTGGTACTTGGGCTTCTGCAGAAGAGGAAGGGAGCACGTG-3'
Protein context (NP_001275634.1, residues 544-564): PKYQVRWKII[Glu554Asp]SYEGNSYTFI